The following is an entry in ClinVar:

NM_006147.4(IRF6):c.-73T>C

Gene: IRF6 (interferon regulatory factor 6; minus strand). Cytogenetic location: 1q32.2.
Variant type: single nucleotide variant.
Coding change: c.-73T>C on transcript NM_006147.4 (MANE Select); 73 bases upstream of the start codon, T replaced by C.
Molecular consequence: 5 prime UTR variant. On other transcripts: intron variant (1).
Genome position (GRCh38, 1-based): chr1:209,802,041, A>G on the plus strand (T>C on the coding strand, the complement: IRF6 is on the minus strand). VCF-style: chr1-209802041-A-G. GRCh37 (hg19) VCF-style: chr1-209975386-A-G.
Other names: c.-112+3906T>C (NM_001206696.2).
Identifiers: ClinVar variation 295214 (VCV000295214.9), dbSNP rs861019, ClinGen allele CA10609029.

ClinVar aggregate classification (germline): Benign. Review status: criteria provided, multiple submitters, no conflicts (2 of 4 stars). 5 submissions from 4 submitters: Benign (5). Last evaluated 2019-12-30.

Conditions:
Van der Woude syndrome 1. Also called: CLEFT LIP AND/OR PALATE WITH MUCOUS CYSTS OF LOWER LIP; van der Woude Syndrome (VWS). Identifiers: MedGen C4551864, MONDO:0007333, OMIM 119300.
Orofacial cleft 6, susceptibility to (OFC6). Also called: CLEFT LIP WITH OR WITHOUT CLEFT PALATE, NONSYNDROMIC, 6. Identifiers: MedGen C1837213, MONDO:0012141, OMIM 608864.

Allele frequency attached by ClinVar (database versions not stated): 1000 Genomes Project 0.38638; 1000 Genomes Project 30x 0.38960; TOPMed 0.42960; gnomAD 0.43246 and 0.43899; gnomAD exomes 0.50000.
gnomAD v4.1: 65,826 of 152,032 alleles (43%); highest among the groups gnomAD compares: African/African-American, 51%; 14,711 homozygotes.

Submissions (5):

Dubai Health Genomic Medicine Center, Dubai Health
Classification: Benign. Last evaluated: 2019-12-30. Review status: criteria provided, single submitter. Criteria: ACMG Guidelines, 2015. Collection method: clinical testing. Allele origin: germline. Affected: yes.

Illumina Laboratory Services, Illumina
Classification: Benign for Orofacial cleft 6, susceptibility to. Last evaluated: 2018-03-06. Review status: criteria provided, single submitter. Criteria: ICSL Variant Classification Criteria 13 December 2019. Collection method: clinical testing. Allele origin: germline.
Comment: This variant was observed in the ICSL laboratory as part of a predisposition screen in an ostensibly healthy population. It had not been previously curated by ICSL or reported in the Human Gene Mutation Database (HGMD: prior to June 1st, 2018), and was therefore a candidate for classification through an automated scoring system. Utilizing variant allele frequency, disease prevalence and penetrance estimates, and inheritance mode, an automated score was calculated to assess if this variant is too frequent to cause the disease. Based on the score and internal cut-off values, a variant classified as benign is not then subjected to further curation. The score for this variant resulted in a classification of benign for this disease.

Illumina Laboratory Services, Illumina
Classification: Benign for Van der Woude syndrome 1. Last evaluated: 2018-03-06. Review status: criteria provided, single submitter. Criteria: ICSL Variant Classification Criteria 13 December 2019. Collection method: clinical testing. Allele origin: germline.
Comment: the same text as in the submission from Illumina Laboratory Services, Illumina above.

GeneDx
Classification: Benign. Last evaluated: 2015-03-03. Review status: criteria provided, single submitter. Criteria: GeneDx Variant Classification Process June 2021. Collection method: clinical testing. Allele origin: germline. Affected: yes.

Breakthrough Genomics
Classification: Benign. Review status: criteria provided, single submitter. Criteria: ACMG Guidelines, 2015. Collection method: not provided. Allele origin: germline. Inheritance: Autosomal dominant inheritance. Affected: yes.